The following is an entry in ClinVar:

NM_001195263.2(PDZD7):c.1525G>C (p.Gly509Arg)

Gene: PDZD7 (PDZ domain containing 7; minus strand). Cytogenetic location: 10q24.31.
Variant type: single nucleotide variant.
Coding change: c.1525G>C on transcript NM_001195263.2 (MANE Select); coding-DNA position 1525, G replaced by C.
Protein change: p.Gly509Arg; replaces glycine 509 with arginine.
Molecular consequence: missense variant.
Genome position (GRCh38, 1-based): chr10:101,016,425, C>G on the plus strand (G>C on the coding strand, the complement: PDZD7 is on the minus strand). VCF-style: chr10-101016425-C-G. GRCh37 (hg19) VCF-style: chr10-102776182-C-G.
Other names: short protein forms G509R.
Identifiers: ClinVar variation 667311 (VCV000667311.8), dbSNP rs1590053918, ClinGen allele CA378227335.

ClinVar aggregate classification (germline): Uncertain significance. Review status: criteria provided, multiple submitters, no conflicts (2 of 4 stars). 3 submissions from 3 submitters: Uncertain significance (3). Last evaluated 2025-03-31.

Conditions:
Hearing loss, autosomal recessive 57. Also called: DEAFNESS, AUTOSOMAL RECESSIVE 57. Identifiers: MedGen C4693893, MONDO:0033201, OMIM 618003.

Allele frequency attached by ClinVar (database versions not stated): gnomAD exomes below 0.00001; TOPMed 0.00001.
gnomAD v4.1: 2 of 1,550,654 alleles (0.00013%); highest among the groups gnomAD compares: Non-Finnish European, 0.00017%; no homozygotes.

Submissions (3):

Labcorp Genetics (formerly Invitae), Labcorp
Classification: Uncertain significance. Last evaluated: 2025-03-31. Review status: criteria provided, single submitter. Criteria: Invitae Variant Classification Sherloc (09022015). Collection method: clinical testing. Allele origin: germline.
Comment: This sequence change replaces glycine, which is neutral and non-polar, with arginine, which is basic and polar, at codon 509 of the PDZD7 protein (p.Gly509Arg). This variant is not present in population databases (gnomAD no frequency). This variant has not been reported in the literature in individuals affected with PDZD7-related conditions. ClinVar contains an entry for this variant (Variation ID: 667311). Experimental studies and prediction algorithms are not available or were not evaluated, and the functional significance of this variant is currently unknown. In summary, the available evidence is currently insufficient to determine the role of this variant in disease. Therefore, it has been classified as a Variant of Uncertain Significance.

Baylor Genetics
Classification: Uncertain significance for Hearing loss, autosomal recessive 57. Last evaluated: 2019-07-15. Review status: criteria provided, single submitter. Criteria: ACMG Guidelines, 2015. Collection method: clinical testing. Allele origin: unknown. Affected: yes.
Comment: This variant was determined to be of uncertain significance according to ACMG Guidelines, 2015 [PMID:25741868].

Laboratory for Molecular Medicine, Mass General Brigham Personalized Medicine
Classification: Uncertain significance. Last evaluated: 2018-04-10. Review status: criteria provided, single submitter. Criteria: LMM Criteria. Collection method: clinical testing. Allele origin: germline. Observed: 1 variant allele.
Comment: The p.Gly509Arg variant in PDZD7 has not been previously reported in individuals with hearing loss or Usher syndrome and was absent from large population studie s. Computational prediction tools and conservation analysis suggest that the p.G ly509Arg variant may not impact the protein, though this information is not pred ictive enough to rule out pathogenicity. In summary, the clinical significance o f the p.Gly509Arg variant is uncertain. ACMG/AMP Criteria applied: PM2; BP4.